The following is an entry in ClinVar:

NM_000094.4(COL7A1):c.5576_5577del (p.Lys1859fs)

Gene: COL7A1 (collagen type VII alpha 1 chain; minus strand). Cytogenetic location: 3p21.31.
Variant type: Deletion.
Coding change: c.5576_5577del on transcript NM_000094.4 (MANE Select); coding-DNA positions 5576 to 5577, 2 bases deleted (AA; older notation c.5576_5577delAA).
Protein change: p.Lys1859fs; shifts the reading frame from lysine 1859.
Molecular consequence: frameshift variant.
Genome position (GRCh38, 1-based): chr3:48,576,911-48,576,912, TT deleted on the plus strand (AA on the coding strand, the reverse complement: COL7A1 is on the minus strand); deleting any 2 consecutive bases within chr3:48,576,911-48,576,913 gives the same sequence; the c. name uses the placement nearest the transcript's 3' end. VCF-style (leftmost placement, unchanged base first): chr3-48576910-CTT-C. GRCh37 (hg19) VCF-style: chr3-48614343-CTT-C.
Other names: c.5576_5577delAA (NM_000094.4, NM_000094.3); short protein forms K1859fs.
Identifiers: ClinVar variation 1047940 (VCV001047940.6), dbSNP rs2044349915, ClinGen allele CA1363083532.

ClinVar aggregate classification (germline): Pathogenic. Review status: criteria provided, multiple submitters, no conflicts (2 of 4 stars). 4 submissions from 4 submitters: Pathogenic (4). Last evaluated 2025-09-03.

Conditions:
Recessive dystrophic epidermolysis bullosa (RDEB). Also called: severe generalized recessive dystrophic epidermolysis bullosa; EPIDERMOLYSIS BULLOSA DYSTROPHICA, GENERALIZED SEVERE, AUTOSOMAL RECESSIVE; Epidermolysis Bullosa Distrophica Autosomal Recessive (RDEB); DYSTROPHIC EPIDERMOLYSIS BULLOSA, AUTOSOMAL RECESSIVE; EPIDERMOLYSIS BULLOSA DYSTROPHICA, HALLOPEAU-SIEMENS TYPE; epidermolysis bullosa dystrophica, autosomal recessive. Identifiers: Orphanet 79408, Orphanet 79409, MedGen C0079474, MONDO:0009179, OMIM 226600.
Epidermolysis bullosa dystrophica. Also called: Dystrophic epidermolysis bullosa, Hallopeau-Siemens type (formerly); Dystrophic epidermolysis bullosa. Identifiers: Orphanet 303, MedGen C0079294, MONDO:0006543.

Submissions (4):

Natera, Inc.
Classification: Pathogenic for Dystrophic epidermolysis bullosa. Last evaluated: 2025-09-03. Review status: criteria provided, single submitter. Criteria: Natera Variant Classification Schema (03/2026). Collection method: clinical testing. Allele origin: germline.
Comment: The c.5576_5577delAA variant in COL7A1 is a frameshift variant predicted to shift the reading frame beginning at codon 1859 and leads to a stop codon 12 codons downstream. This variant is expected to result in nonsense mediated decay, truncation, or a dysfunctional protein product. This variant is rare in the general population with a frequency below the threshold expected for the associated phenotype(s). This variant has been observed in one or more individuals affected with the associated recessive disease, as either homozygous or compound heterozygous with a second variant (PMID: 31001817, 30693469). Given the available evidence, this variant is classified as Pathogenic.

Myriad Genetics, Inc.
Classification: Pathogenic for Recessive dystrophic epidermolysis bullosa. Last evaluated: 2025-04-01. Review status: criteria provided, single submitter. Criteria: Myriad Autosomal Dominant, Autosomal Recessive and X-Linked Classification Criteria (2023). Collection method: clinical testing. Allele origin: unknown.
Comment: NM_000094.3(COL7A1):c.5576_5577delAA(K1859Rfs*12) is expected to be pathogenic in the context of dystrophic epidermolysis bullosa. This variant is predicted to lead to an abnormal or absent protein product due to the creation of a premature termination codon in COL7A1, a gene where loss-of-function variants are known to be pathogenic. Please note: this variant was assessed in the context of healthy population screening.

Labcorp Genetics (formerly Invitae), Labcorp
Classification: Pathogenic. Last evaluated: 2023-03-17. Review status: criteria provided, single submitter. Criteria: Invitae Variant Classification Sherloc (09022015). Collection method: clinical testing. Allele origin: germline.
Comment: For these reasons, this variant has been classified as Pathogenic. ClinVar contains an entry for this variant (Variation ID: 1047940). This premature translational stop signal has been observed in individual(s) with autosomal recessive epidermolysis bullosa dystrophica (PMID: 31001817). This variant is not present in population databases (gnomAD no frequency). This sequence change creates a premature translational stop signal (p.Lys1859Argfs*12) in the COL7A1 gene. It is expected to result in an absent or disrupted protein product. Loss-of-function variants in COL7A1 are known to be pathogenic (PMID: 16971478).

Biomedical Innovation Departament, CIEMAT
Classification: Pathogenic for Dystrophic epidermolysis bullosa. Last evaluated: 2018-11-26. Review status: criteria provided, single submitter. Criteria: ACMG Guidelines, 2015. Collection method: research. Allele origin: germline. Affected: yes. Observed: 6 variant alleles.

Literature cited by the submitters: PubMed 31001817 (cited by Natera, Inc. and Labcorp Genetics (formerly Invitae), Labcorp); PubMed 30693469 (cited by Natera, Inc.); PubMed 16971478 (cited by Labcorp Genetics (formerly Invitae), Labcorp).